The following is an entry in ClinVar:

NM_018122.5(DARS2):c.1456C>T (p.Leu486Phe)

Gene: DARS2 (aspartyl-tRNA synthetase 2, mitochondrial; plus strand). Cytogenetic location: 1q25.1.
Variant type: single nucleotide variant.
Coding change: c.1456C>T on transcript NM_018122.5 (MANE Select); coding-DNA position 1456, C replaced by T.
Protein change: p.Leu486Phe; replaces leucine 486 with phenylalanine.
Molecular consequence: missense variant.
Genome position (GRCh38, 1-based): chr1:173,853,460, C>T. VCF-style: chr1-173853460-C-T. GRCh37 (hg19) VCF-style: chr1-173822598-C-T.
Other names: NM_018122.5:c.1456C>T; c.1303C>T, p.Leu435Phe (NM_001365212.1); short protein forms L435F, L486F.
Identifiers: ClinVar variation 3340391 (VCV003340391.2).

ClinVar aggregate classification (germline): Uncertain significance. Review status: criteria provided, multiple submitters, no conflicts (2 of 4 stars). 2 submissions from 2 submitters: Uncertain significance (2). Last evaluated 2025-01-21.

Conditions:
Leukoencephalopathy with brain stem and spinal cord involvement-high lactate syndrome (LBSL). Also called: MITOCHONDRIAL ASPARTYL-tRNA SYNTHETASE DEFICIENCY; LEUKOENCEPHALOPATHY WITH BRAINSTEM AND SPINAL CORD INVOLVEMENT AND LACTATE ELEVATION, MILD; Leukoencephalopathy with Brainstem and Spinal Cord Involvement and Lactate Elevation. Identifiers: Orphanet 137898, MedGen C1970180, MONDO:0012622, OMIM 611105.

gnomAD v4.1: 3 of 1,614,124 alleles (0.00019%); highest among the groups gnomAD compares: Non-Finnish European, 0.00025%; no homozygotes.

Submissions (2):

Broad Center for Mendelian Genomics, Broad Institute of MIT and Harvard
Classification: Uncertain significance for Leukoencephalopathy with brain stem and spinal cord involvement-high lactate syndrome. Last evaluated: 2025-01-21. Review status: criteria provided, single submitter. Criteria: ACMG Guidelines, 2015. Collection method: curation. Allele origin: germline. Inheritance: Autosomal recessive inheritance.
Comment: The p.Leu486Phe variant in DARS2 has been reported in at least 2 individuals with leukoencephalopathy with brain stem and spinal cord involvement-high lactate syndrome (PMID: 28334938, 35012964), and has been identified in 0.0003% (3/1180014) of European (non-Finnish) chromosomes by the Genome Aggregation Database (gnomAD; dbSNP rs923118148). Although this variant has been seen in the general population in a heterozygous state, its frequency is low enough to be consistent with a recessive carrier frequency. Of the 2 affected individuals, 1 was a compound heterozygote that carried a reported pathogenic variant with unknown phase, which increases the likelihood that the p.Leu486Phe variant is pathogenic (Variation ID: 1057; PMID: 28334938). Computational prediction tools and conservation analyses suggest that this variant may impact the protein, though this information is not predictive enough to determine pathogenicity. In summary, the clinical significance of thep.Leu486Phe variant is uncertain. ACMG/AMP Criteria applied: PP3_moderate, PM2_supporting, PM3_supporting (Richards 2015).

GeneDx
Classification: Uncertain significance. Last evaluated: 2023-06-27. Review status: criteria provided, single submitter. Criteria: GeneDx Variant Classification Process June 2021. Collection method: clinical testing. Allele origin: germline. Affected: yes.
Comment: Not observed at significant frequency in large population cohorts (gnomAD); In silico analysis supports that this missense variant has a deleterious effect on protein structure/function; This variant is associated with the following publications: (PMID: 28334938, 32319008)